The following is an entry in ClinVar:

NM_198576.4(AGRN):c.3398T>C (p.Val1133Ala)

Gene: AGRN (agrin; plus strand). Cytogenetic location: 1p36.33.
Variant type: single nucleotide variant.
Coding change: c.3398T>C on transcript NM_198576.4 (MANE Select); coding-DNA position 3398, T replaced by C.
Protein change: p.Val1133Ala; replaces valine 1133 with alanine.
Molecular consequence: missense variant.
Genome position (GRCh38, 1-based): chr1:1,047,336, T>C. VCF-style: chr1-1047336-T-C. GRCh37 (hg19) VCF-style: chr1-982716-T-C.
Other names: c.3398T>C, p.Val1133Ala (NM_001305275.2); c.3083T>C, p.Val1028Ala (NM_001364727.2); short protein forms V1133A, V1028A.
Identifiers: ClinVar variation 4713836 (VCV004713836.1).
Genomic context (GRCh38, chr1:1,047,336, plus strand): 5'-CCTGGATGCCAGGCAGATGCCAGGCAGGGCCTCACTGTACCTCCCCCACAGCCACCAAGG[T>C]GTTCCAGGGCGTCCTGGAGCTGGAGGGCGTCGAGGGCCAGGAGCTGTTCTACACGCCCGA-3'
Protein context (NP_940978.2, residues 1123-1143): AEGSNCPATK[Val1133Ala]FQGVLELEGV

ClinVar aggregate classification (germline): Uncertain significance (1 of 4 stars; one submission).

Conditions:
Congenital myasthenic syndrome 8. Also called: MYASTHENIC SYNDROME, CONGENITAL, DUE TO AGRIN DEFICIENCY; Myasthenic syndrome, congenital, 8, with pre- and postsynaptic defects. Identifiers: Orphanet 590, MedGen C3808739, MONDO:0014052, OMIM 615120.

Submission:

Labcorp Genetics (formerly Invitae), Labcorp
Classification: Uncertain significance for Congenital myasthenic syndrome 8. Last evaluated: 2025-02-26. Review status: criteria provided, single submitter. Criteria: Invitae Variant Classification Sherloc (09022015). Collection method: clinical testing. Allele origin: germline.
Comment: This sequence change replaces valine, which is neutral and non-polar, with alanine, which is neutral and non-polar, at codon 1133 of the AGRN protein (p.Val1133Ala). This variant is not present in population databases (gnomAD no frequency). This variant has not been reported in the literature in individuals affected with AGRN-related conditions. An algorithm developed to predict the effect of missense changes on protein structure and function outputs the following: PolyPhen-2: "Benign". The alanine amino acid residue is found in multiple mammalian species, which suggests that this missense change does not adversely affect protein function. In summary, the available evidence is currently insufficient to determine the role of this variant in disease. Therefore, it has been classified as a Variant of Uncertain Significance.